The following is an entry in ClinVar:

ClinVar aggregate classification (germline): Uncertain significance (1 of 4 stars; one submission).

Conditions:
Hereditary cancer-predisposing syndrome. Also called: Hereditary neoplastic syndrome; Neoplastic Syndromes, Hereditary; Tumor predisposition; Hereditary Cancer Syndrome. Identifiers: Orphanet 140162, MedGen C0027672, MeSH D009386, MONDO:0015356.

Submission:

Ambry Genetics
Classification: Uncertain significance for Hereditary cancer-predisposing syndrome. Last evaluated: 2026-05-30. Review status: criteria provided, single submitter. Criteria: Ambry Variant Classification Scheme 2023. Collection method: clinical testing. Allele origin: germline.
Comment: The p.R169S variant (also known as c.507A>T), located in coding exon 1 of the GREM1 gene, results from an A to T substitution at nucleotide position 507. The arginine at codon 169 is replaced by serine, an amino acid with dissimilar properties. This amino acid position is conserved. In addition, the in silico prediction for this alteration is inconclusive. Based on the available evidence, the clinical significance of this variant remains unclear.

NM_013372.7(GREM1):c.507A>T (p.Arg169Ser)

Gene: GREM1 (gremlin 1, DAN family BMP antagonist; plus strand). Cytogenetic location: 15q13.3.
Variant type: single nucleotide variant.
Coding change: c.507A>T on transcript NM_013372.7 (MANE Select); coding-DNA position 507, A replaced by T.
Protein change: p.Arg169Ser; replaces arginine 169 with serine.
Molecular consequence: missense variant.
Genome position (GRCh38, 1-based): chr15:32,731,197, A>T. VCF-style: chr15-32731197-A-T. GRCh37 (hg19) VCF-style: chr15-33023398-A-T.
Other names: c.297A>T, p.Arg99Ser (NM_001191322.2); c.384A>T, p.Arg128Ser (NM_001191323.2); c.507A>T, p.Arg169Ser (NM_001368719.1); short protein forms R128S, R169S, R99S.
Identifiers: ClinVar variation 4858198 (VCV004858198.1).